The following is an entry in ClinVar:

ClinVar aggregate classification (germline): Likely benign (1 of 4 stars; one submission).

Allele frequency attached by ClinVar (database versions not stated): ESP Exome Variant Server 0.00054; 1000 Genomes Project 0.00080; 1000 Genomes Project 30x 0.00094.

Submission:

CeGaT Center for Human Genetics Tuebingen
Classification: Likely benign. Last evaluated: 2022-03-01. Review status: criteria provided, single submitter. Criteria: CeGaT Center For Human Genetics Tuebingen Variant Classification Criteria Version 2. Collection method: clinical testing. Allele origin: germline. Affected: yes. Observed: 1 variant allele.
Comment: ZC3H7B: BP4, BS1

NM_017590.6(ZC3H7B):c.582+8C>T

Gene: ZC3H7B (zinc finger CCCH-type containing 7B; plus strand). Cytogenetic location: 22q13.2.
Variant type: single nucleotide variant.
Coding change: c.582+8C>T on transcript NM_017590.6 (MANE Select); 8 bases into the intron after coding-DNA position 582, C replaced by T.
Molecular consequence: intron variant.
Genome position (GRCh38, 1-based): chr22:41,332,235, C>T. VCF-style: chr22-41332235-C-T. GRCh37 (hg19) VCF-style: chr22-41728239-C-T.
Identifiers: ClinVar variation 2653227 (VCV002653227.24), dbSNP rs191143984, ClinGen allele CA10255948.